The following is an entry in ClinVar:

ClinVar aggregate classification (germline): Uncertain significance (1 of 4 stars; one submission).

Allele frequency attached by ClinVar (database versions not stated): ExAC 0.00002; gnomAD 0.00003; gnomAD exomes 0.00003; TOPMed 0.00005; 1000 Genomes Project 30x 0.00016; 1000 Genomes Project 0.00020.
gnomAD v4.1: 48 of 1,614,078 alleles (0.003%); highest among the groups gnomAD compares: Non-Finnish European, 0.0036%; no homozygotes.

Submission:

Labcorp Genetics (formerly Invitae), Labcorp
Classification: Uncertain significance. Last evaluated: 2026-01-24. Review status: criteria provided, single submitter. Criteria: Invitae Variant Classification Sherloc (09022015). Collection method: clinical testing. Allele origin: germline.
Comment: This sequence change replaces valine, which is neutral and non-polar, with isoleucine, which is neutral and non-polar, at codon 380 of the NIN protein (p.Val380Ile). This variant is present in population databases (rs568406670, gnomAD 0.007%). This variant has not been reported in the literature in individuals affected with NIN-related conditions. ClinVar contains an entry for this variant (Variation ID: 2066751). An algorithm developed to predict the effect of missense changes on protein structure and function outputs the following: PolyPhen-2: "Benign". The isoleucine amino acid residue is found in multiple mammalian species, which suggests that this missense change does not adversely affect protein function. In summary, the available evidence is currently insufficient to determine the role of this variant in disease. Therefore, it has been classified as a Variant of Uncertain Significance.

NM_020921.4(NIN):c.1138G>A (p.Val380Ile)

Gene: NIN (ninein; minus strand). Cytogenetic location: 14q22.1.
Variant type: single nucleotide variant.
Coding change: c.1138G>A on transcript NM_020921.4 (MANE Select); coding-DNA position 1138, G replaced by A.
Protein change: p.Val380Ile; replaces valine 380 with isoleucine.
Molecular consequence: missense variant.
Genome position (GRCh38, 1-based): chr14:50,770,973, C>T on the plus strand (G>A on the coding strand, the complement: NIN is on the minus strand). VCF-style: chr14-50770973-C-T. GRCh37 (hg19) VCF-style: chr14-51237691-C-T.
Other names: c.1138G>A, p.Val380Ile (NM_016350.5, NM_182944.3, NM_182946.2); short protein forms V380I.
Identifiers: ClinVar variation 2066751 (VCV002066751.4), dbSNP rs568406670, ClinGen allele CA7182269.